The following is an entry in ClinVar:

NM_012398.3(PIP5K1C):c.1746G>A (p.Ala582=)

Gene: PIP5K1C (phosphatidylinositol-4-phosphate 5-kinase type 1 gamma; minus strand). Cytogenetic location: 19p13.3.
Variant type: single nucleotide variant.
Coding change: c.1746G>A on transcript NM_012398.3 (MANE Select); coding-DNA position 1746, G replaced by A.
Protein change: p.Ala582=; no amino-acid change (alanine 582 retained).
Molecular consequence: synonymous variant.
Genome position (GRCh38, 1-based): chr19:3,641,746, C>T on the plus strand (G>A on the coding strand, the complement: PIP5K1C is on the minus strand). VCF-style: chr19-3641746-C-T. GRCh37 (hg19) VCF-style: chr19-3641744-C-T.
Other names: c.1746G>A, p.Ala582= (NM_001195733.2, NM_001300849.2).
Identifiers: ClinVar variation 778806 (VCV000778806.32), dbSNP rs73920193, ClinGen allele CA9082097.
Genomic context (GRCh38, chr19:3,641,746, plus strand): 5'-CCGCCGAGGCCGTGCTCACCCTGCGTCCTCCTCTTTGGGGACCACAATCTCCACGCTGCA[C>T]GCAGGCTCCACCTGCACTGTAATCTGCTGCAGATCCTCTTCCGCGGGTGGCTCCTCCTGC-3'
Protein context (NP_036530.1, residues 572-592): LQQITVQVEP[Ala582=]CSVEIVVPKE

ClinVar aggregate classification (germline): Benign/Likely benign. Review status: criteria provided, multiple submitters, no conflicts (2 of 4 stars). 4 submissions from 4 submitters: Benign (2); Likely benign (2). Last evaluated 2025-12-22.

Allele frequency attached by ClinVar (database versions not stated): 1000 Genomes Project 30x 0.00406; 1000 Genomes Project 0.00479; ESP Exome Variant Server 0.00492; gnomAD 0.00605 and 0.00640; TOPMed 0.00676.
gnomAD v4.1: 5,912 of 1,611,408 alleles (0.37%); highest among the groups gnomAD compares: Middle Eastern, 1.9%; 26 homozygotes.

Submissions (4):

Labcorp Genetics (formerly Invitae), Labcorp
Classification: Benign. Last evaluated: 2025-12-22. Review status: criteria provided, single submitter. Criteria: Invitae Variant Classification Sherloc (09022015). Collection method: clinical testing. Allele origin: germline.

CeGaT Center for Human Genetics Tuebingen
Classification: Benign. Last evaluated: 2025-02-01. Review status: criteria provided, single submitter. Criteria: CeGaT Center For Human Genetics Tuebingen Variant Classification Criteria Version 2. Collection method: clinical testing. Allele origin: germline. Affected: yes. Observed: 2 variant alleles.
Comment: PIP5K1C: BP4, BP7, BS1, BS2

GeneDx
Classification: Likely benign. Last evaluated: 2021-06-25. Review status: criteria provided, single submitter. Criteria: GeneDx Variant Classification Process June 2021. Collection method: clinical testing. Allele origin: germline. Affected: yes.

Breakthrough Genomics
Classification: Likely benign. Review status: criteria provided, single submitter. Criteria: ACMG Guidelines, 2015. Collection method: not provided. Allele origin: germline. Inheritance: Autosomal recessive inheritance. Affected: yes.